The following is an entry in ClinVar:

ClinVar aggregate classification (germline): Uncertain significance. Review status: criteria provided, multiple submitters, no conflicts (2 of 4 stars). 2 submissions from 2 submitters: Uncertain significance (2). Last evaluated 2025-10-26.

Conditions:
Hereditary cancer-predisposing syndrome. Also called: Hereditary neoplastic syndrome; Hereditary Cancer Syndrome; Tumor predisposition; Neoplastic Syndromes, Hereditary. Identifiers: Orphanet 140162, MedGen C0027672, MeSH D009386, MONDO:0015356.
Chuvash polycythemia. Also called: POLYCYTHEMIA, VHL-DEPENDENT. Identifiers: Orphanet 238557, MedGen C1837915, MONDO:0009892, OMIM 263400.
Von Hippel-Lindau syndrome (VHLS). Also called: von Hippel–Lindau syndrome; VHL syndrome; Von Hippel-Lindau. Identifiers: Orphanet 892, MedGen C0019562, MONDO:0008667, OMIM 193300. Disease mechanism: loss of function.

Submissions (2):

Labcorp Genetics (formerly Invitae), Labcorp
Classification: Uncertain significance for Von Hippel-Lindau syndrome; Chuvash polycythemia. Last evaluated: 2025-10-26. Review status: criteria provided, single submitter. Criteria: Invitae Variant Classification Sherloc (09022015). Collection method: clinical testing. Allele origin: germline.
Comment: This sequence change creates a premature translational stop signal (p.Glu47*) in the VHL gene. It is unclear whether it will result in an absent or disrupted protein product because an in-frame methionine located at codon 54 has the potential to rescue this variant. This variant is not present in population databases (gnomAD no frequency). This variant has not been reported in the literature in individuals affected with VHL-related conditions. ClinVar contains an entry for this variant (Variation ID: 964821). Several studies have shown that the VHL protein created from a downstream methionine located at codon 54 is biologically active, and exhibits properties similar to the full-length, wild-type protein (PMID: 9671762, 9751722). In summary, the available evidence is currently insufficient to determine the role of this variant in disease. Therefore, it has been classified as a Variant of Uncertain Significance.

Ambry Genetics
Classification: Uncertain significance for Hereditary cancer-predisposing syndrome. Last evaluated: 2024-09-13. Review status: criteria provided, single submitter. Criteria: Ambry Variant Classification Scheme 2023. Collection method: clinical testing. Allele origin: germline.
Comment: The p.E47* variant (also known as c.139G>T), located in coding exon 1 of the VHL gene, results from a G to T substitution at nucleotide position 139. This changes the amino acid from a glutamic acid to a stop codon within coding exon 1. The predicted stop codon occurs in the 5&rsquo; end of theVHL gene. Premature termination codons in the 5&rsquo; end of a gene have been reported to escape nonsense-mediated mRNAdecay and/or lead to re-initiation (Rivas et al. Science. 2015 May 8;348(6235):666-9; Lindeboom et al. Nat Genet. 2016 Oct;48(10):1112-8; Rhee et al. Sci Rep. 2017 May 10;7(1):1653). The exact functional effect of this alteration is unknown. Since supporting evidence is limited at this time, the clinical significance of this alteration remains unclear.

Literature cited by the submitters: PubMed 9671762 (cited by Labcorp Genetics (formerly Invitae), Labcorp); PubMed 9751722 (cited by Labcorp Genetics (formerly Invitae), Labcorp).

NM_000551.4(VHL):c.139G>T (p.Glu47Ter)

Gene: VHL (von Hippel-Lindau tumor suppressor; plus strand). Cytogenetic location: 3p25.3.
Variant type: single nucleotide variant.
Coding change: c.139G>T on transcript NM_000551.4 (MANE Select); coding-DNA position 139, G replaced by T.
Protein change: p.Glu47Ter; replaces glutamic acid 47 with a stop codon.
Molecular consequence: nonsense.
Genome position (GRCh38, 1-based): chr3:10,141,986, G>T. VCF-style: chr3-10141986-G-T. GRCh37 (hg19) VCF-style: chr3-10183670-G-T.
Other names: c.139G>T, p.Glu47Ter (NM_001354723.2, NM_198156.3); short protein forms E47*.
Identifiers: ClinVar variation 964821 (VCV000964821.11), dbSNP rs1457039250, ClinGen allele CA351748143.